The following is an entry in ClinVar:

ClinVar aggregate classification (germline): Uncertain significance (1 of 4 stars; one submission).

Conditions:
Ataxia-telangiectasia syndrome (AT). Also called: Ataxia-telangiectasia, complementation group D; AT, COMPLEMENTATION GROUP C; ATAXIA-TELANGIECTASIA, COMPLEMENTATION GROUP A; ATAXIA-TELANGIECTASIA, FRESNO VARIANT; Ataxia-telangiectasia; LOUIS-BAR SYNDROME. Identifiers: Orphanet 100, MedGen C0004135, MONDO:0008840, OMIM 208900.

Submission:

Labcorp Genetics (formerly Invitae), Labcorp
Classification: Uncertain significance for Ataxia-telangiectasia syndrome. Last evaluated: 2018-10-30. Review status: criteria provided, single submitter. Criteria: Invitae Variant Classification Sherloc (09022015). Collection method: clinical testing. Allele origin: germline.
Comment: In summary, the available evidence is currently insufficient to determine the role of this variant in disease. Therefore, it has been classified as a Variant of Uncertain Significance. Algorithms developed to predict the effect of missense changes on protein structure and function (SIFT, PolyPhen-2, Align-GVGD) all suggest that this variant is likely to be disruptive, but these predictions have not been confirmed by published functional studies and their clinical significance is uncertain. This variant has not been reported in the literature in individuals with ATM-related disease. This variant is not present in population databases (ExAC no frequency). This sequence change replaces leucine with proline at codon 2169 of the ATM protein (p.Leu2169Pro). The leucine residue is moderately conserved and there is a moderate physicochemical difference between leucine and proline.

NM_000051.4(ATM):c.6506T>C (p.Leu2169Pro)

Genes: ATM (ATM serine/threonine kinase; plus strand), C11orf65 (chromosome 11 open reading frame 65; minus strand). Cytogenetic location: 11q22.3.
Variant type: single nucleotide variant.
Coding change: c.6506T>C on transcript NM_000051.4 (MANE Select); coding-DNA position 6506, T replaced by C.
Protein change: p.Leu2169Pro; replaces leucine 2169 with proline.
Molecular consequence: missense variant. On other transcripts: intron variant (2).
Genome position (GRCh38, 1-based): chr11:108,321,354, T>C. VCF-style: chr11-108321354-T-C. GRCh37 (hg19) VCF-style: chr11-108192081-T-C.
Other names: c.6506T>C, p.Leu2169Pro (NM_001351834.2); c.641-12283A>G (NM_001330368.2); c.*39-12283A>G (NM_001351110.2); short protein forms L2169P.
Identifiers: ClinVar variation 656008 (VCV000656008.9), dbSNP rs748054311, ClinGen allele CA382554098.